The following is an entry in ClinVar:

NM_000065.5(C6):c.1189A>G (p.Lys397Glu)

Gene: C6 (complement C6; minus strand). Cytogenetic location: 5p13.1.
Variant type: single nucleotide variant.
Coding change: c.1189A>G on transcript NM_000065.5 (MANE Select); coding-DNA position 1189, A replaced by G.
Protein change: p.Lys397Glu; replaces lysine 397 with glutamic acid.
Molecular consequence: missense variant.
Genome position (GRCh38, 1-based): chr5:41,172,327, T>C on the plus strand (A>G on the coding strand, the complement: C6 is on the minus strand). VCF-style: chr5-41172327-T-C. GRCh37 (hg19) VCF-style: chr5-41172429-T-C.
Other names: c.1189A>G, p.Lys397Glu (NM_001115131.4); short protein forms K397E.
Identifiers: ClinVar variation 735134 (VCV000735134.14), dbSNP rs6896011, ClinGen allele CA3252531.

ClinVar aggregate classification (germline): Benign/Likely benign. Review status: criteria provided, multiple submitters, no conflicts (2 of 4 stars). 5 submissions from 5 submitters: Benign (2); Likely benign (2). 1 of the submissions does not count toward it. Last evaluated 2026-01-27.

Conditions:
C6-related disorder. Also called: C6-related condition.
Complement component 6 deficiency (C6D). Also called: C6 DEFICIENCY. Identifiers: MedGen C2676232, MONDO:0012908, OMIM 612446.

Allele frequency attached by ClinVar (database versions not stated): gnomAD exomes 0.00085 and 0.00242; ExAC 0.00297; gnomAD 0.00832 and 0.00878; ESP Exome Variant Server 0.00961; TOPMed 0.00965; 1000 Genomes Project 0.01238; 1000 Genomes Project 30x 0.01265.
gnomAD v4.1: 2,556 of 1,613,672 alleles (0.16%); highest among the groups gnomAD compares: African/African-American, 2.8%; 27 homozygotes.

Submissions (5):

Women's Health and Genetics/Laboratory Corporation of America, LabCorp
Classification: Likely benign. Last evaluated: 2026-01-27. Review status: criteria provided, single submitter. Criteria: LabCorp Variant Classification Summary - May 2015. Collection method: clinical testing. Allele origin: germline.
Comment: Variant summary: C6 c.1189A>G (p.Lys397Glu) results in a conservative amino acid change in the encoded protein sequence. Algorithms developed to predict the effect of missense changes on protein structure and function all suggest that this variant is likely to be tolerated. The variant allele was found at a frequency of 0.0024 in 250828 control chromosomes, predominantly at a frequency of 0.031 within the African or African-American subpopulation in the gnomAD database, including 8 homozygotes. The observed variant frequency within African or African-American control individuals in the gnomAD database exceeds the estimated maximal expected allele frequency for disease-causing variants in C6. To our knowledge, no occurrence of c.1189A>G in individuals affected with C6-related conditions and no experimental evidence demonstrating its impact on protein function have been reported. ClinVar contains an entry for this variant (Variation ID: 735134). Based on the evidence outlined above, the variant was classified as likely benign.

Labcorp Genetics (formerly Invitae), Labcorp
Classification: Benign. Last evaluated: 2026-01-22. Review status: criteria provided, single submitter. Criteria: Invitae Variant Classification Sherloc (09022015). Collection method: clinical testing. Allele origin: germline.

Fulgent Genetics
Classification: Likely benign for Complement component 6 deficiency. Last evaluated: 2021-10-13. Review status: criteria provided, single submitter. Criteria: ACMG Guidelines, 2015. Collection method: clinical testing. Allele origin: unknown.

Breakthrough Genomics
Classification: Benign. Review status: criteria provided, single submitter. Criteria: ACMG Guidelines, 2015. Collection method: not provided. Allele origin: germline. Inheritance: Autosomal recessive inheritance. Affected: yes.

PreventionGenetics, part of Exact Sciences
Classification: Benign for C6-related condition. Last evaluated: 2024-02-10. Review status: no assertion criteria provided. Collection method: clinical testing. Allele origin: germline. Not counted in ClinVar's aggregate classification.
Comment: This variant is classified as benign based on ACMG/AMP sequence variant interpretation guidelines (Richards et al. 2015 PMID: 25741868, with internal and published modifications).